The following is an entry in ClinVar:

ClinVar aggregate classification (germline): Conflicting classifications of pathogenicity. Review status: criteria provided, conflicting classifications (1 of 4 stars). 5 submissions from 5 submitters: Pathogenic (1); Likely pathogenic (3); Uncertain significance (1). Last evaluated 2025-12-16.

Conditions:
Familial cancer of breast. Also called: Hereditary breast cancer; hereditary breast carcinoma; BREAST CANCER, FAMILIAL. Identifiers: Orphanet 227535, MedGen C0346153, MONDO:0016419, OMIM 114480. Disease mechanism: loss of function.
Hereditary cancer-predisposing syndrome. Also called: Hereditary neoplastic syndrome; Tumor predisposition; Neoplastic Syndromes, Hereditary; Hereditary Cancer Syndrome. Identifiers: Orphanet 140162, MedGen C0027672, MeSH D009386, MONDO:0015356.

Submissions (5):

Ambry Genetics
Classification: Uncertain significance for Hereditary cancer-predisposing syndrome. Last evaluated: 2025-12-16. Review status: criteria provided, single submitter. Criteria: Ambry Variant Classification Scheme 2023. Collection method: clinical testing. Allele origin: germline.
Comment: The c.216-1G>C intronic variant results from a G to C substitution one nucleotide upstream from coding exon 3 of the BARD1 gene. This nucleotide position is highly conserved in available vertebrate species. In silico splice site analysis predicts that this alteration will weaken the native splice acceptor site and will result in the creation or strengthening of a novel splice acceptor site; however, direct evidence is insufficient at this time (Ambry internal data). Since supporting evidence is limited at this time, the clinical significance of this alteration remains unclear.

CeGaT Center for Human Genetics Tuebingen
Classification: Pathogenic. Last evaluated: 2025-09-01. Review status: criteria provided, single submitter. Criteria: CeGaT Center For Human Genetics Tuebingen Variant Classification Criteria Version 2. Collection method: clinical testing. Allele origin: germline. Affected: yes. Observed: 1 variant allele.
Comment: BARD1: PVS1, PM2

Labcorp Genetics (formerly Invitae), Labcorp
Classification: Likely pathogenic for Familial cancer of breast. Last evaluated: 2024-11-13. Review status: criteria provided, single submitter. Criteria: Invitae Variant Classification Sherloc (09022015). Collection method: clinical testing. Allele origin: germline.
Comment: This sequence change affects an acceptor splice site in intron 2 of the BARD1 gene. It is expected to disrupt RNA splicing. Variants that disrupt the donor or acceptor splice site typically lead to a loss of protein function (PMID: 16199547), and loss-of-function variants in BARD1 are known to be pathogenic (PMID: 20077502, 21344236). This variant is not present in population databases (gnomAD no frequency). This variant has not been reported in the literature in individuals affected with BARD1-related conditions. ClinVar contains an entry for this variant (Variation ID: 1709911). Studies have shown that disruption of this splice site is associated with altered splicing resulting in multiple RNA products (internal data). In summary, the currently available evidence indicates that the variant is pathogenic, but additional data are needed to prove that conclusively. Therefore, this variant has been classified as Likely Pathogenic.

Myriad Genetics, Inc.
Classification: Likely pathogenic for Familial cancer of breast. Last evaluated: 2023-05-18. Review status: criteria provided, single submitter. Criteria: Myriad Autosomal Dominant, Autosomal Recessive and X-Linked Classification Criteria (2023). Collection method: clinical testing. Allele origin: unknown.
Comment: This variant is considered likely pathogenic. This variant occurs within a consensus splice junction and is predicted to result in abnormal mRNA splicing of either an out-of-frame exon or an in-frame exon necessary for protein stability and/or normal function.

MGZ Medical Genetics Center
Classification: Likely pathogenic for Familial cancer of breast. Last evaluated: 2021-08-27. Review status: criteria provided, single submitter. Criteria: ACMG Guidelines, 2015. Collection method: clinical testing. Allele origin: germline. Affected: yes. Observed: 1 variant allele.
Comment: ACMG criteria applied: PVS1, PM2_SUP

Literature cited by the submitters: PubMed 16199547 (cited by Labcorp Genetics (formerly Invitae), Labcorp); PubMed 20077502 (cited by Labcorp Genetics (formerly Invitae), Labcorp); PubMed 21344236 (cited by Labcorp Genetics (formerly Invitae), Labcorp).

NM_000465.4(BARD1):c.216-1G>C

Gene: BARD1 (BRCA1 associated RING domain 1; minus strand). Cytogenetic location: 2q35.
Variant type: single nucleotide variant.
Coding change: c.216-1G>C on transcript NM_000465.4 (MANE Select); the canonical splice acceptor site of the intron before coding-DNA position 216, G replaced by C.
Molecular consequence: splice acceptor variant. On other transcripts: intron variant (2).
Genome position (GRCh38, 1-based): chr2:214,792,446, C>G on the plus strand (G>C on the coding strand, the complement: BARD1 is on the minus strand). VCF-style: chr2-214792446-C-G. GRCh37 (hg19) VCF-style: chr2-215657170-C-G.
Other names: c.216-1G>C (NM_000465.2, NM_001282549.2); c.158+16966G>C (NM_001282548.2); c.159-1G>C (NM_001282543.2); c.215+4615G>C (NM_001282545.2).
Identifiers: ClinVar variation 1709911 (VCV001709911.19), dbSNP rs876658905, ClinGen allele CA350461344.